The following is an entry in ClinVar:

NM_000038.6(APC):c.2894A>G (p.Asn965Ser)

Gene: APC (APC regulator of Wnt signaling pathway; plus strand). Cytogenetic location: 5q22.2.
Variant type: single nucleotide variant.
Coding change: c.2894A>G on transcript NM_000038.6 (MANE Select); coding-DNA position 2894, A replaced by G.
Protein change: p.Asn965Ser; replaces asparagine 965 with serine.
Molecular consequence: missense variant. On other transcripts: non-coding transcript variant (2).
Genome position (GRCh38, 1-based): chr5:112,838,488, A>G. VCF-style: chr5-112838488-A-G. GRCh37 (hg19) VCF-style: chr5-112174185-A-G.
Other names: c.2894A>G, p.Asn965Ser (NM_001127510.3, NM_001354895.2, NM_001407450.1); c.2948A>G, p.Asn983Ser (NM_001354896.2, NM_001407447.1, NM_001407449.1 and 1 more transcripts); c.2819A>G, p.Asn940Ser (NM_001354898.2); c.2810A>G, p.Asn937Ser (NM_001354899.2); c.2840A>G, p.Asn947Ser (NM_001127511.3); c.2924A>G, p.Asn975Ser (NM_001354897.2); c.2621A>G, p.Asn874Ser (NM_001354902.2); c.2414A>G, p.Asn805Ser (NM_001354905.2); and 11 more; short protein forms N581S, N682S, N805S, N836S, N839S, N864S, N874S, N882S.
Identifiers: ClinVar variation 4801458 (VCV004801458.1).

ClinVar aggregate classification (germline): Uncertain significance (1 of 4 stars; one submission).

Conditions:
Familial adenomatous polyposis 1 (FAP1). Also called: FAMILIAL ADENOMATOUS POLYPOSIS 1, ATTENUATED; POLYPOSIS, ADENOMATOUS INTESTINAL. Identifiers: MedGen C2713442, MONDO:0021056, OMIM 175100. Disease mechanism: loss of function.

Submission:

Labcorp Genetics (formerly Invitae), Labcorp
Classification: Uncertain significance for Familial adenomatous polyposis 1. Last evaluated: 2025-12-12. Review status: criteria provided, single submitter. Criteria: Invitae Variant Classification Sherloc (09022015). Collection method: clinical testing. Allele origin: germline.
Comment: This sequence change replaces asparagine, which is neutral and polar, with serine, which is neutral and polar, at codon 965 of the APC protein (p.Asn965Ser). This variant is not present in population databases (gnomAD no frequency). This variant has not been reported in the literature in individuals affected with APC-related conditions. Invitae Evidence Modeling of protein sequence and biophysical properties (such as structural, functional, and spatial information, amino acid conservation, physicochemical variation, residue mobility, and thermodynamic stability) has been performed for this missense variant. However, the output from this modeling did not meet the statistical confidence thresholds required to predict the impact of this variant on APC protein function. In summary, the available evidence is currently insufficient to determine the role of this variant in disease. Therefore, it has been classified as a Variant of Uncertain Significance.